The following is an entry in ClinVar:

ClinVar aggregate classification (germline): Uncertain significance. Review status: criteria provided, multiple submitters, no conflicts (2 of 4 stars). 2 submissions from 2 submitters: Uncertain significance (2). Last evaluated 2025-11-10.

Conditions:
Melnick-Needles syndrome (MNS). Also called: MELNICK-NEEDLES OSTEODYSPLASTY; OSTEODYSPLASTY OF MELNICK AND NEEDLES; Melnick-Needles Syndrome (FLNA-MNS). Identifiers: Orphanet 2484, MedGen C0025237, MONDO:0010650, OMIM 309350.
Frontometaphyseal dysplasia (FMD1). Identifiers: MONDO:0015942, Orphanet 1826, MedGen C0265293.
Oto-palato-digital syndrome, type II (OPD2). Also called: Otopalatodigital Syndrome, Type II; FACIOPALATOOSSEOUS SYNDROME; OPD II SYNDROME; Otopalatodigital Syndrome Type 2 (FLNA-OPD2). Identifiers: Orphanet 669, Orphanet 90652, MedGen C1844696, MONDO:0010571, OMIM 304120.
Heterotopia, periventricular, X-linked dominant (PVNH1). Also called: X-linked periventricular heterotopia; PERIVENTRICULAR NODULAR HETEROTOPIA 4; HETEROTOPIA, PERIVENTRICULAR, 1; PERIVENTRICULAR NODULAR HETEROTOPIA 1. Identifiers: Orphanet 2149, Orphanet 82004, MedGen C1848213, MONDO:0010233, OMIM 300049.

Allele frequency attached by ClinVar (database versions not stated): TOPMed below 0.00001; gnomAD 0.00001; gnomAD exomes 0.00001.
gnomAD v4.1: 8 of 1,210,868 alleles (0.00066%); highest among the groups gnomAD compares: South Asian, 0.0035%; no homozygotes.

Submissions (2):

Labcorp Genetics (formerly Invitae), Labcorp
Classification: Uncertain significance for Oto-palato-digital syndrome, type II; Heterotopia, periventricular, X-linked dominant; Frontometaphyseal dysplasia; Melnick-Needles syndrome. Last evaluated: 2025-11-10. Review status: criteria provided, single submitter. Criteria: Invitae Variant Classification Sherloc (09022015). Collection method: clinical testing. Allele origin: germline.
Comment: This sequence change replaces arginine, which is basic and polar, with cysteine, which is neutral and slightly polar, at codon 1717 of the FLNA protein (p.Arg1717Cys). This variant is not present in population databases (gnomAD no frequency). This variant has not been reported in the literature in individuals affected with FLNA-related conditions. ClinVar contains an entry for this variant (Variation ID: 1307985). Invitae Evidence Modeling of protein sequence and biophysical properties (such as structural, functional, and spatial information, amino acid conservation, physicochemical variation, residue mobility, and thermodynamic stability) indicates that this missense variant is not expected to disrupt FLNA protein function with a negative predictive value of 95%. In summary, the available evidence is currently insufficient to determine the role of this variant in disease. Therefore, it has been classified as a Variant of Uncertain Significance.

GeneDx
Classification: Uncertain significance. Last evaluated: 2023-06-12. Review status: criteria provided, single submitter. Criteria: GeneDx Variant Classification Process June 2021. Collection method: clinical testing. Allele origin: germline. Affected: yes.
Comment: Has not been previously published as pathogenic or benign to our knowledge; In silico analysis supports that this missense variant has a deleterious effect on protein structure/function

NM_001110556.2(FLNA):c.5173C>T (p.Arg1725Cys)

Gene: FLNA (filamin A; minus strand). Cytogenetic location: Xq28.
Variant type: single nucleotide variant.
Coding change: c.5173C>T on transcript NM_001110556.2 (MANE Select); coding-DNA position 5173, C replaced by T.
Protein change: p.Arg1725Cys; replaces arginine 1725 with cysteine.
Molecular consequence: missense variant.
Genome position (GRCh38, 1-based): chrX:154,354,869, G>A on the plus strand (C>T on the coding strand, the complement: FLNA is on the minus strand). VCF-style: chrX-154354869-G-A. GRCh37 (hg19) VCF-style: chrX-153583237-G-A.
Other names: c.5149C>T, p.Arg1717Cys (NM_001456.4); short protein forms R1717C, R1725C.
Identifiers: ClinVar variation 1307985 (VCV001307985.6), dbSNP rs1195468267, ClinGen allele CA415207368.